The following is an entry in ClinVar:

NM_001009944.3(PKD1):c.1540_1549del (p.Thr514fs)

Gene: PKD1 (polycystin 1, transient receptor potential channel interacting; minus strand). Cytogenetic location: 16p13.3.
Variant type: Deletion.
Coding change: c.1540_1549del on transcript NM_001009944.3 (MANE Select); coding-DNA positions 1540 to 1549, 10 bases deleted (ACCGGGTGGT; older notation c.1540_1549delACCGGGTGGT).
Protein change: p.Thr514fs; shifts the reading frame from threonine 514.
Molecular consequence: frameshift variant.
Genome position (GRCh38, 1-based): chr16:2,116,890-2,116,899, ACCACCCGGT deleted on the plus strand (ACCGGGTGGT on the coding strand, the reverse complement: PKD1 is on the minus strand). VCF-style (leftmost placement, unchanged base first): chr16-2116889-CACCACCCGGT-C. GRCh37 (hg19) VCF-style: chr16-2166890-CACCACCCGGT-C.
Other names: c.1540_1549del, p.Thr514fs (NM_000296.4); short protein forms T514fs.
Identifiers: ClinVar variation 1179059 (VCV001179059.2), dbSNP rs2151820655, ClinGen allele CA2499223387.
Genomic context (GRCh38, chr16:2,116,889, plus strand): 5'-ACACCTCCGGGCTGCAGCTCGCAGACGTAGCTGTGCGGCGCTGAGCACAGGTCGGTGTTA[CACCACCCGGT>C]GGGCCCGAGCCGGACGCAGTGCTCGGCTGTGGCTGGGTGTGGCTCCCCGGGCAGCCAGTT-3'

ClinVar aggregate classification (germline): Likely pathogenic (1 of 4 stars; one submission).

Conditions:
Polycystic kidney disease, adult type (PKD1). Also called: POLYCYSTIC KIDNEY DISEASE 1 WITH OR WITHOUT POLYCYSTIC LIVER DISEASE; POLYCYSTIC KIDNEY DISEASE, ADULT, TYPE I; Polycystic Kidney Disease 1, Autosomal Dominant; Polycystic kidney disease 1; Polycystic kidney disease 1, severe; Polycystic Kidney, Autosomal Dominant. Identifiers: MedGen C3149841, MONDO:0008263, OMIM 173900.

Submission:

Fulgent Genetics
Classification: Likely pathogenic for Polycystic kidney disease, adult type. Last evaluated: 2021-06-30. Review status: criteria provided, single submitter. Criteria: ACMG Guidelines, 2015. Collection method: clinical testing. Allele origin: unknown.
Comment: This variant has been detected in individual(s) who were sent for testing of Renasight - kidney gene panel.